The following is an entry in ClinVar:

ClinVar aggregate classification (germline): Likely pathogenic. Review status: reviewed by expert panel (3 of 4 stars). 10 submissions from 10 submitters: Likely pathogenic (1). 9 of the submissions do not count toward it. Last evaluated 2025-08-01.

Conditions:
RYR1-related disorder. Also called: RYR1-related disorders; RYR1-related condition. Identifiers: MedGen CN239331.
Malignant hyperthermia of anesthesia. Also called: Anesthesic-triggered malignant hyperthermia. Identifiers: Orphanet 423, MedGen C0024591, MONDO:0018493, HP:0034733.
Central core myopathy (CMYO1A). Also called: CONGENITAL MYOPATHY 1A, AUTOSOMAL DOMINANT, WITH SUSCEPTIBILITY TO MALIGNANT HYPERTHERMIA; Central core disease; Myopathy, central fibrillar. Identifiers: Orphanet 597, MedGen C5830701, MONDO:0007294, OMIM 117000.
Malignant hyperthermia, susceptibility to, 1 (MHS1). Also called: Malignant hyperthermia suceptibility 1; RYR1-Related Malignant Hyperthermia Susceptibility; Anesthesia related hyperthermia; Malignant hyperpyrexia; Fulminating hyperpyrexia; Pharmacogenic myopathy. Identifiers: Orphanet 423, MedGen C2930980, MONDO:0007783, OMIM 145600.

Allele frequency attached by ClinVar (database versions not stated): gnomAD exomes below 0.00001; TOPMed below 0.00001; gnomAD 0.00001.
gnomAD v4.1: 5 of 1,613,898 alleles (0.00031%); highest among the groups gnomAD compares: Non-Finnish European, 0.00042%; no homozygotes.

Submissions (10):

ClinGen Malignant Hyperthermia Susceptibility Variant Curation Expert Panel, ClinGen
Classification: Likely pathogenic for Malignant hyperthermia of anesthesia. Last evaluated: 2025-08-01. Review status: reviewed by expert panel. Criteria: ClinGen MHS ACMG Specifications V2. Collection method: curation. Allele origin: germline. Inheritance: Autosomal dominant inheritance.
Comment: This pathogenicity assessment is relevant only for malignant hyperthermia susceptibility (MHS) inherited in an autosomal dominant pattern. Variants in RYR1 can also cause other myopathies inherited in an autosomal dominant pattern or in an autosomal recessive pattern. Some of these disorders may predispose individuals to malignant hyperthermia. RYR1 variants may also contribute to a malignant hyperthermia reaction in combination with other genetic and non-genetic factors and the clinician needs to consider such factors in making management decisions. This sequence variant predicts a substitution of arginine with tryptophan at codon 4737 of the RYR1 protein, p.(Arg4737Trp). This variant was not present in a large population database (gnomAD) at the time this variant was interpreted. This variant has been reported in five individuals with a personal or family history of an MH episode and a positive in vitro contracture test (IVCT) or caffeine halothane contracture test (CHCT) result (if the proband was unavailable for testing, a positive diagnostic test result in a mutation-positive relative was counted), PS4_Moderate (PMID: 16163667, 26631338, 30236257, VCEP participating clinical laboratory). This variant segregates with MHS in 4 individuals, PP1 (PMID:26631338, 12208234). No functional studies were identified for this variant. This variant resides in a region of RYR1 considered to be a hotspot for pathogenic variants that contribute to MHS, PM1_Sup (PMID: 21118704). A REVEL score >0.85 (.882) supports a pathogenic status for this variant, PP3_Moderate. Another variant has been assessed as likely pathogenic occurs at this codon, p.(Arg4737Gln), PM5_Supporting (PMID: 23460944). This variant has been classified as Likely Pathogenic. Criteria implemented: PS4_Moderate, PM1_Supporting, PM5_Supporting, PP1, PP3_moderate.

Genomic Medicine Center of Excellence, King Faisal Specialist Hospital and Research Centre
Classification: Pathogenic for Central core myopathy. Last evaluated: 2024-12-19. Review status: criteria provided, single submitter. Criteria: ACMG Guidelines, 2015. Collection method: clinical testing. Allele origin: germline. Not counted in ClinVar's aggregate classification.

Labcorp Genetics (formerly Invitae), Labcorp
Classification: Pathogenic for RYR1-related disorder. Last evaluated: 2024-08-03. Review status: criteria provided, single submitter. Criteria: Invitae Variant Classification Sherloc (09022015). Collection method: clinical testing. Allele origin: germline. Not counted in ClinVar's aggregate classification.
Comment: This sequence change replaces arginine, which is basic and polar, with tryptophan, which is neutral and slightly polar, at codon 4737 of the RYR1 protein (p.Arg4737Trp). This variant is not present in population databases (gnomAD no frequency). This missense change has been observed in individual(s) with autosomal dominant malignant hyperthermia (PMID: 12208234, 16163667, 26631338). It has also been observed to segregate with disease in related individuals. This variant is also known as p.Arg4736Trp. ClinVar contains an entry for this variant (Variation ID: 133060). Advanced modeling of protein sequence and biophysical properties (such as structural, functional, and spatial information, amino acid conservation, physicochemical variation, residue mobility, and thermodynamic stability) performed at Invitae indicates that this missense variant is expected to disrupt RYR1 protein function with a positive predictive value of 95%. Experimental studies have shown that this missense change affects RYR1 function (PMID: 27558158). This variant disrupts the p.Arg4737 amino acid residue in RYR1. Other variant(s) that disrupt this residue have been determined to be pathogenic (PMID: 16163667, 18564801, 19648156, 25960145). This suggests that this residue is clinically significant, and that variants that disrupt this residue are likely to be disease-causing. For these reasons, this variant has been classified as Pathogenic.

GeneDx
Classification: Pathogenic. Last evaluated: 2021-07-12. Review status: criteria provided, single submitter. Criteria: GeneDx Variant Classification Process June 2021. Collection method: clinical testing. Allele origin: germline. Affected: yes. Not counted in ClinVar's aggregate classification.
Comment: Published functional analysis showed that R4737W increases the probability of the channel opening, resulting in calcium leak and disrupting channel function relative to controls (Kushnir et al., 2020); In silico analysis supports that this missense variant has a deleterious effect on protein structure/function; Not observed in large population cohorts (Lek et al., 2016); This variant is associated with the following publications: (PMID: 27535533, 12208234, 16163667, 25960145, 32236737, 20566647, 16835904, 31130284, 27558158, 26631338)

Revvity Omics, Revvity
Classification: Pathogenic. Last evaluated: 2019-01-03. Review status: criteria provided, single submitter. Criteria: ACMG Guidelines, 2015. Collection method: clinical testing. Allele origin: germline. Not counted in ClinVar's aggregate classification.

Blueprint Genetics
Classification: Pathogenic for RYR1-related disorders. Last evaluated: 2017-11-17. Review status: criteria provided, single submitter. Criteria: ACMG Guidelines, 2015. Collection method: clinical testing. Allele origin: germline. Affected: yes. Observed: 2 variant alleles. Not counted in ClinVar's aggregate classification.

PreventionGenetics, part of Exact Sciences
Classification: Pathogenic. Last evaluated: 2017-05-04. Review status: criteria provided, single submitter. Criteria: ACMG Guidelines, 2015. Collection method: clinical testing. Allele origin: germline. Not counted in ClinVar's aggregate classification.

Clinical Genetics Service, Universitary Hospital 12 de Octubre
Classification: Likely pathogenic for Malignant hyperthermia, susceptibility to, 1. Review status: criteria provided, single submitter. Criteria: ACMG Guidelines, 2015. Collection method: clinical testing. Allele origin: germline. Affected: yes. Not counted in ClinVar's aggregate classification.

Suma Genomics
Classification: Pathogenic for RYR1-related disorder. Review status: criteria provided, single submitter. Criteria: ACMG Guidelines, 2015. Collection method: clinical testing. Allele origin: germline. Inheritance: Autosomal dominant inheritance. Affected: yes. Observed: 1 homozygote. Not counted in ClinVar's aggregate classification.
Comment: A missense variant c.14209C>T, p.(Arg4737Trp) is observed in exon 98 of RYR1 in homozygous state. This variant is reported in the ClinVar database as likely pathogenic (ClinVar id. 133060) and also curated by the ClinGen malignant hyperthermia susceptibility (MHS) variant curation expert panel (Johnston et al. 2022). In-silico analysis tool REVEL is consistent in predicting this variant to be disease-causing. ACMG classification: Pathogenic Criteria met: PS4_Moderate PM1_Supporting PM5_Supporting PP1 PP3

RYR1 database
No classification provided. Review status: no classification provided. Collection method: not provided. Allele origin: unknown. Not counted in ClinVar's aggregate classification.

Literature cited by the submitters: PubMed 12208234 (cited by Labcorp Genetics (formerly Invitae), Labcorp); PubMed 16163667 (cited by Labcorp Genetics (formerly Invitae), Labcorp); PubMed 26631338 (cited by Labcorp Genetics (formerly Invitae), Labcorp); PubMed 27558158 (cited by Labcorp Genetics (formerly Invitae), Labcorp); PubMed 18564801 (cited by Labcorp Genetics (formerly Invitae), Labcorp); PubMed 19648156 (cited by Labcorp Genetics (formerly Invitae), Labcorp); PubMed 25960145 (cited by Labcorp Genetics (formerly Invitae), Labcorp).

NM_000540.3(RYR1):c.14209C>T (p.Arg4737Trp)

Gene: RYR1 (ryanodine receptor 1; plus strand). Cytogenetic location: 19q13.2.
Variant type: single nucleotide variant.
Coding change: c.14209C>T on transcript NM_000540.3 (MANE Select); coding-DNA position 14209, C replaced by T.
Protein change: p.Arg4737Trp; replaces arginine 4737 with tryptophan.
Molecular consequence: missense variant.
Genome position (GRCh38, 1-based): chr19:38,577,954, C>T. VCF-style: chr19-38577954-C-T. GRCh37 (hg19) VCF-style: chr19-39068594-C-T.
Other names: c.14209C>T (NM_000540.2); c.14194C>T, p.Arg4732Trp (NM_001042723.2); short protein forms R4737W, R4732W.
Identifiers: ClinVar variation 133060 (VCV000133060.24), dbSNP rs193922867, ClinGen allele CA024116.